The following is an entry in ClinVar:

ClinVar aggregate classification (germline): Conflicting classifications of pathogenicity. Review status: criteria provided, conflicting classifications (1 of 4 stars). 14 submissions from 10 submitters: Uncertain significance (2); Benign (6); Likely benign (5). 1 of the submissions does not count toward it. Last evaluated 2026-08-01.

Conditions:
Congenital myasthenic syndrome 16. Identifiers: Orphanet 590, MedGen C3280112, MONDO:0013620, OMIM 614198.
Hypokalemic periodic paralysis, type 2 (HOKPP2). Identifiers: Orphanet 681, MedGen C2750061, MONDO:0013234, OMIM 613345.
Hyperkalemic periodic paralysis. Also called: Gamstorp disease; Familial hyperkalemic periodic paralysis. Identifiers: Orphanet 682, MedGen C0238357, MONDO:0008224, OMIM 170500, HP:0007215.
SCN4A-related disorder. Also called: SCN4A-related disorders.
Paramyotonia congenita of Von Eulenburg. Also called: Eulenburg disease; Myotonia congenita intermittens; Von Eulenburg paramyotonia congenita; PARALYSIS PERIODICA PARAMYOTONICA; Paramyotonia Congenita. Identifiers: Orphanet 684, MedGen C0221055, MONDO:0008195, OMIM 168300. Disease mechanism: loss of function.
Potassium-aggravated myotonia. Also called: MYOTONIA CONGENITA, ACETAZOLAMIDE-RESPONSIVE; MYOTONIA CONGENITA, ATYPICAL; SODIUM CHANNEL MUSCLE DISEASE; Myotonia congenita, atypical, acetazolamide-responsive. Identifiers: Orphanet 612, Orphanet 99734, Orphanet 99735, Orphanet 99736, MedGen C2931826, MONDO:0018959, OMIM 608390.

Allele frequency attached by ClinVar (database versions not stated): 1000 Genomes Project 0.00080; gnomAD 0.00108; 1000 Genomes Project 30x 0.00109; ESP Exome Variant Server 0.00118; gnomAD exomes 0.00161 and 0.00164; ExAC 0.00131; TOPMed 0.00209.

Submissions (14):

CeGaT Center for Human Genetics Tuebingen
Classification: Likely benign. Last evaluated: 2026-08-01. Review status: criteria provided, single submitter. Criteria: CeGaT Center For Human Genetics Tuebingen Variant Classification Criteria Version 2. Collection method: clinical testing. Allele origin: germline. Affected: yes. Observed: 9 variant alleles.
Comment: SCN4A: BS2

Labcorp Genetics (formerly Invitae), Labcorp
Classification: Likely benign for Hyperkalemic periodic paralysis. Last evaluated: 2026-01-31. Review status: criteria provided, single submitter. Criteria: Invitae Variant Classification Sherloc (09022015). Collection method: clinical testing. Allele origin: germline.

Blueprint Genetics
Classification: Likely benign. Last evaluated: 2024-11-21. Review status: criteria provided, single submitter. Criteria: ACMG Guidelines, 2015. Collection method: clinical testing. Allele origin: germline.

Mayo Clinic Laboratories, Mayo Clinic
Classification: Benign. Last evaluated: 2024-07-23. Review status: criteria provided, single submitter. Criteria: ACMG Guidelines, 2015. Collection method: clinical testing. Allele origin: germline. Observed: 3 variant alleles.
Comment: BA1, BP4

Athena Diagnostics
Classification: Benign. Last evaluated: 2023-12-08. Review status: criteria provided, single submitter. Criteria: Athena Diagnostics Criteria. Collection method: clinical testing. Allele origin: unknown.

GeneDx
Classification: Likely benign. Last evaluated: 2020-09-30. Review status: criteria provided, single submitter. Criteria: GeneDx Variant Classification Process June 2021. Collection method: clinical testing. Allele origin: germline. Affected: yes.
Comment: This variant is associated with the following publications: (PMID: 24356988, 32849172)

Illumina Laboratory Services, Illumina
Classification: Benign for Hyperkalemic periodic paralysis. Last evaluated: 2018-01-12. Review status: criteria provided, single submitter. Criteria: ICSL Variant Classification Criteria 13 December 2019. Collection method: clinical testing. Allele origin: germline.
Comment: This variant was observed in the ICSL laboratory as part of a predisposition screen in an ostensibly healthy population. It had not been previously curated by ICSL or reported in the Human Gene Mutation Database (HGMD: prior to June 1st, 2018), and was therefore a candidate for classification through an automated scoring system. Utilizing variant allele frequency, disease prevalence and penetrance estimates, and inheritance mode, an automated score was calculated to assess if this variant is too frequent to cause the disease. Based on the score and internal cut-off values, a variant classified as benign is not then subjected to further curation. The score for this variant resulted in a classification of benign for this disease.

Illumina Laboratory Services, Illumina
Classification: Benign for Paramyotonia congenita of Von Eulenburg. Last evaluated: 2018-01-12. Review status: criteria provided, single submitter. Criteria: ICSL Variant Classification Criteria 13 December 2019. Collection method: clinical testing. Allele origin: germline.
Comment: the same text as in the submission from Illumina Laboratory Services, Illumina above.

Illumina Laboratory Services, Illumina
Classification: Benign for Potassium-aggravated myotonia. Last evaluated: 2018-01-12. Review status: criteria provided, single submitter. Criteria: ICSL Variant Classification Criteria 13 December 2019. Collection method: clinical testing. Allele origin: germline.
Comment: the same text as in the submission from Illumina Laboratory Services, Illumina above.

Illumina Laboratory Services, Illumina
Classification: Uncertain significance for Congenital myasthenic syndrome 16. Last evaluated: 2018-01-12. Review status: criteria provided, single submitter. Criteria: ICSL Variant Classification Criteria 13 December 2019. Collection method: clinical testing. Allele origin: germline.

Illumina Laboratory Services, Illumina
Classification: Benign for Hypokalemic periodic paralysis, type 2. Last evaluated: 2018-01-12. Review status: criteria provided, single submitter. Criteria: ICSL Variant Classification Criteria 13 December 2019. Collection method: clinical testing. Allele origin: germline.
Comment: the same text as in the submission from Illumina Laboratory Services, Illumina above.

Eurofins Ntd Llc (ga)
Classification: Uncertain significance. Last evaluated: 2016-06-22. Review status: criteria provided, single submitter. Criteria: EGL Classification Definitions 2015. Collection method: clinical testing. Allele origin: germline. Observed: 2 variant alleles, 2 heterozygotes.

Genetic Services Laboratory, University of Chicago
Classification: Likely benign. Last evaluated: 2015-06-02. Review status: criteria provided, single submitter. Criteria: ACMG Guidelines, 2015. Collection method: clinical testing. Allele origin: germline.

PreventionGenetics, part of Exact Sciences
Classification: Benign for SCN4A-related condition. Last evaluated: 2022-12-12. Review status: no assertion criteria provided. Collection method: clinical testing. Allele origin: germline. Not counted in ClinVar's aggregate classification.
Comment: This variant is classified as benign based on ACMG/AMP sequence variant interpretation guidelines (Richards et al. 2015 PMID: 25741868, with internal and published modifications).

Literature cited by the submitters: PubMed 24356988 (cited by Mayo Clinic Laboratories, Mayo Clinic and Athena Diagnostics); PubMed 32849172 (cited by Mayo Clinic Laboratories, Mayo Clinic and Athena Diagnostics).

NM_000334.4(SCN4A):c.4690G>A (p.Val1564Ile)

Genes: GH-LCR (growth hormone locus control region; plus strand), SCN4A (sodium voltage-gated channel alpha subunit 4; minus strand). Cytogenetic location: 17q23.3.
Variant type: single nucleotide variant.
Coding change: c.4690G>A on transcript NM_000334.4 (MANE Select); coding-DNA position 4690, G replaced by A.
Protein change: p.Val1564Ile; replaces valine 1564 with isoleucine.
Molecular consequence: missense variant.
Genome position (GRCh38, 1-based): chr17:63,941,592, C>T on the plus strand (G>A on the coding strand, the complement: SCN4A is on the minus strand). VCF-style: chr17-63941592-C-T. GRCh37 (hg19) VCF-style: chr17-62018952-C-T.
Other names: p.Val1564Ile; short protein forms V1564I.
Identifiers: ClinVar variation 195797 (VCV000195797.53), dbSNP rs202106192, ClinGen allele CA205612.